The following is an entry in ClinVar:

ClinVar aggregate classification (germline): Uncertain significance (1 of 4 stars; one submission).

Conditions:
Juvenile polyposis syndrome (JPS). Identifiers: Orphanet 2929, MedGen C0345893, MONDO:0017380, OMIM 174900.

Submission:

Labcorp Genetics (formerly Invitae), Labcorp
Classification: Uncertain significance for Juvenile polyposis syndrome. Last evaluated: 2022-06-04. Review status: criteria provided, single submitter. Criteria: Invitae Variant Classification Sherloc (09022015). Collection method: clinical testing. Allele origin: germline.
Comment: This sequence change replaces serine, which is neutral and polar, with glycine, which is neutral and non-polar, at codon 489 of the BMPR1A protein (p.Ser489Gly). This variant is not present in population databases (gnomAD no frequency). This variant has not been reported in the literature in individuals affected with BMPR1A-related conditions. ClinVar contains an entry for this variant (Variation ID: 850773). Advanced modeling of protein sequence and biophysical properties (such as structural, functional, and spatial information, amino acid conservation, physicochemical variation, residue mobility, and thermodynamic stability) performed at Invitae indicates that this missense variant is not expected to disrupt BMPR1A protein function. In summary, the available evidence is currently insufficient to determine the role of this variant in disease. Therefore, it has been classified as a Variant of Uncertain Significance.

NM_004329.3(BMPR1A):c.1465A>G (p.Ser489Gly)

Gene: BMPR1A (bone morphogenetic protein receptor type 1A; plus strand). Cytogenetic location: 10q23.2.
Variant type: single nucleotide variant.
Coding change: c.1465A>G on transcript NM_004329.3 (MANE Select); coding-DNA position 1465, A replaced by G.
Protein change: p.Ser489Gly; replaces serine 489 with glycine.
Molecular consequence: missense variant.
Genome position (GRCh38, 1-based): chr10:86,923,498, A>G. VCF-style: chr10-86923498-A-G. GRCh37 (hg19) VCF-style: chr10-88683255-A-G.
Other names: short protein forms S489G.
Identifiers: ClinVar variation 850773 (VCV000850773.10), dbSNP rs1843697142, ClinGen allele CA377463224.
Genomic context (GRCh38, chr10:86,923,498, plus strand): 5'-GATATGCGTGAGGTTGTGTGTGTCAAACGTTTGCGGCCAATTGTGTCTAATCGGTGGAAC[A>G]GTGATGAAGTGAGTGGAACTCAGTCCCCTGAAGAAGTGATTCGTAAATGCCACCAAATAT-3'
Protein context (NP_004320.2, residues 479-499): LRPIVSNRWN[Ser489Gly]DECLRAVLKL